The following is an entry in ClinVar:

NM_001909.5(CTSD):c.1052dup (p.Glu352fs)

Gene: CTSD (cathepsin D; minus strand). Cytogenetic location: 11p15.5.
Variant type: Duplication.
Coding change: c.1052dup on transcript NM_001909.5 (MANE Select); coding-DNA position 1052, one base duplicated (C; older notation c.1052dupC).
Protein change: p.Glu352fs; shifts the reading frame from glutamic acid 352.
Molecular consequence: frameshift variant.
Genome position (GRCh38, 1-based): chr11:1,753,822, G duplicated on the plus strand (C on the coding strand, the reverse complement: CTSD is on the minus strand); the first of 4 consecutive G bases (chr11:1,753,822-1,753,825); duplicating any one gives the same sequence. VCF-style (leftmost placement, unchanged base first): chr11-1753821-T-TG. GRCh37 (hg19) VCF-style: chr11-1775051-T-TG.
Other names: short protein forms E352fs.
Identifiers: ClinVar variation 1987149 (VCV001987149.4), dbSNP rs1845759700, ClinGen allele CA1947825272.

ClinVar aggregate classification (germline): Pathogenic (1 of 4 stars; one submission).

Conditions:
Neuronal ceroid lipofuscinosis. Also called: Neuronal Ceroid Lipofuscinoses. Identifiers: Orphanet 216, Orphanet 79263, MedGen C0027877, MONDO:0016295. Disease mechanism: loss of function.

Submission:

Labcorp Genetics (formerly Invitae), Labcorp
Classification: Pathogenic for Neuronal ceroid lipofuscinosis. Last evaluated: 2024-04-03. Review status: criteria provided, single submitter. Criteria: Invitae Variant Classification Sherloc (09022015). Collection method: clinical testing. Allele origin: germline.
Comment: This sequence change creates a premature translational stop signal (p.Glu352Argfs*47) in the CTSD gene. While this is not anticipated to result in nonsense mediated decay, it is expected to disrupt the last 61 amino acid(s) of the CTSD protein. This variant is not present in population databases (gnomAD no frequency). This variant has not been reported in the literature in individuals affected with CTSD-related conditions. ClinVar contains an entry for this variant (Variation ID: 1987149). This variant disrupts a region of the CTSD protein in which other variant(s) (p.Thr355Met) have been determined to be pathogenic (PMID: 32421885). This suggests that this is a clinically significant region of the protein, and that variants that disrupt it are likely to be disease-causing. For these reasons, this variant has been classified as Pathogenic.

Literature cited by the submitters: PubMed 32421885.